The following is an entry in ClinVar:

NM_001079.4(ZAP70):c.1289+10G>A

Gene: ZAP70 (zeta chain of T cell receptor associated protein kinase 70; plus strand). Cytogenetic location: 2q11.2.
Variant type: single nucleotide variant.
Coding change: c.1289+10G>A on transcript NM_001079.4 (MANE Select); 10 bases into the intron after coding-DNA position 1289, G replaced by A.
Molecular consequence: intron variant.
Genome position (GRCh38, 1-based): chr2:97,735,466, G>A. VCF-style: chr2-97735466-G-A. GRCh37 (hg19) VCF-style: chr2-98351929-G-A.
Other names: c.1289+10G>A (NM_001378594.1); c.368+10G>A (NM_207519.2).
Identifiers: ClinVar variation 538573 (VCV000538573.19), dbSNP rs200538234, ClinGen allele CA1790417.

ClinVar aggregate classification (germline): Conflicting classifications of pathogenicity. Review status: criteria provided, conflicting classifications (1 of 4 stars). 5 submissions from 5 submitters: Uncertain significance (2); Benign (1); Likely benign (1). 1 of the submissions does not count toward it. Last evaluated 2026-01-26.

Conditions:
ZAP70-related disorder. Also called: ZAP70-related condition.
Combined immunodeficiency due to ZAP70 deficiency (IMD48). Also called: Immunodeficiency 48; ZAP70 Deficiency. Identifiers: Orphanet 911, MedGen C2931299, MONDO:0010023, OMIM 269840.

Allele frequency attached by ClinVar (database versions not stated): gnomAD 0.00088 and 0.00086; 1000 Genomes Project 30x 0.00109; ESP Exome Variant Server 0.00062; TOPMed 0.00101; 1000 Genomes Project 0.00200.
gnomAD v4.1: 263 of 1,604,568 alleles (0.016%); highest among the groups gnomAD compares: African/African-American, 0.22%; no homozygotes.

Submissions (5):

Labcorp Genetics (formerly Invitae), Labcorp
Classification: Benign for Combined immunodeficiency due to ZAP70 deficiency. Last evaluated: 2026-01-26. Review status: criteria provided, single submitter. Criteria: Invitae Variant Classification Sherloc (09022015). Collection method: clinical testing. Allele origin: germline.

Blueprint Genetics
Classification: Likely benign. Last evaluated: 2024-10-14. Review status: criteria provided, single submitter. Criteria: ACMG Guidelines, 2015. Collection method: clinical testing. Allele origin: germline.

Mayo Clinic Laboratories, Mayo Clinic
Classification: Uncertain significance. Last evaluated: 2021-09-01. Review status: criteria provided, single submitter. Criteria: ACMG Guidelines, 2015. Collection method: clinical testing. Allele origin: germline.

Baylor Genetics
Classification: Uncertain significance for Combined immunodeficiency due to ZAP70 deficiency. Last evaluated: 2019-11-20. Review status: criteria provided, single submitter. Criteria: ACMG Guidelines, 2015. Collection method: clinical testing. Allele origin: unknown. Affected: yes.
Comment: This variant was determined to be of uncertain significance according to ACMG Guidelines, 2015 [PMID:25741868].

PreventionGenetics, part of Exact Sciences
Classification: Likely benign for ZAP70-related condition. Last evaluated: 2024-01-04. Review status: no assertion criteria provided. Collection method: clinical testing. Allele origin: germline. Not counted in ClinVar's aggregate classification.
Comment: This variant is classified as likely benign based on ACMG/AMP sequence variant interpretation guidelines (Richards et al. 2015 PMID: 25741868, with internal and published modifications).